The following is an entry in ClinVar:

NM_000257.4(MYH7):c.732+2T>G

Gene: MYH7 (myosin heavy chain 7; minus strand). Cytogenetic location: 14q11.2.
Variant type: single nucleotide variant.
Coding change: c.732+2T>G on transcript NM_000257.4 (MANE Select); the canonical splice donor site of the intron after coding-DNA position 732, T replaced by G.
Molecular consequence: splice donor variant.
Genome position (GRCh38, 1-based): chr14:23,431,583, A>C on the plus strand (T>G on the coding strand, the complement: MYH7 is on the minus strand). VCF-style: chr14-23431583-A-C. GRCh37 (hg19) VCF-style: chr14-23900792-A-C.
Other names: c.732+2T>G (NM_001407004.1).
Identifiers: ClinVar variation 454395 (VCV000454395.10), dbSNP rs1555338658, ClinGen allele CA389052164.

ClinVar aggregate classification (germline): Pathogenic. Review status: criteria provided, single submitter (1 of 4 stars). 2 submissions from 2 submitters: Pathogenic (1). 1 of the submissions does not count toward it. Last evaluated 2022-04-01.

Conditions:
Left ventricular noncompaction. Identifiers: Orphanet 54260, MedGen C1960469, MONDO:0018901, HP:0030682.
Hypertrophic cardiomyopathy. Also called: HYPERTROPHIC MYOCARDIOPATHY. Identifiers: Orphanet 217569, MedGen C0007194, MeSH D002312, MONDO:0005045, HP:0001639.

Submissions (3):

Labcorp Genetics (formerly Invitae), Labcorp
Classification: Pathogenic for Hypertrophic cardiomyopathy. Last evaluated: 2022-04-01. Review status: criteria provided, single submitter. Criteria: Invitae Variant Classification Sherloc (09022015). Collection method: clinical testing. Allele origin: germline.
Comment: Algorithms developed to predict the effect of sequence changes on RNA splicing suggest that this variant may disrupt the consensus splice site. For these reasons, this variant has been classified as Pathogenic. ClinVar contains an entry for this variant (Variation ID: 454395). Disruption of this splice site has been observed in individual(s) with clinical features of left ventricular noncompaction (PMID: 18506004; Invitae). It has also been observed to segregate with disease in related individuals. This variant is not present in population databases (gnomAD no frequency). This sequence change affects a donor splice site in intron 8 of the MYH7 gene. It is expected to disrupt RNA splicing. Variants that disrupt the donor or acceptor splice site typically lead to a loss of protein function (PMID: 16199547), however the current clinical and genetic evidence is not sufficient to establish whether loss-of-function variants in MYH7 cause disease.

Clinical Molecular Genetics Laboratory, Johns Hopkins All Children's Hospital
Classification: Likely pathogenic for Left ventricular noncompaction. Last evaluated: 2015-05-05. Review status: no assertion criteria provided. Collection method: clinical testing. Allele origin: germline. Affected: yes. Not counted in ClinVar's aggregate classification.

Dr. Peter K. Rogan Lab, Western University
No classification provided (evidence only). Condition: Thyroid cancer, nonmedullary, 1. Review status: no classification provided. Collection method: in vitro. Allele origin: not applicable. Functional consequence: retained intron. Not counted in ClinVar's aggregate classification.

Literature cited by the submitters: PubMed 18506004 (cited by Labcorp Genetics (formerly Invitae), Labcorp); PubMed 16199547 (cited by Labcorp Genetics (formerly Invitae), Labcorp).